The following is an entry in ClinVar:

ClinVar aggregate classification (germline): Uncertain significance. Review status: criteria provided, multiple submitters, no conflicts (2 of 4 stars). 2 submissions from 2 submitters: Uncertain significance (2). Last evaluated 2026-01-19.

Conditions:
Mitochondrial DNA depletion syndrome 13. Also called: FBXL4-Related Encephalomyopathic Mitochondrial DNA Depletion Syndrome; Mitochondrial DNA depletion syndrome 13 (encephalomyopathic type). Identifiers: Orphanet 369897, MedGen C3809592, MONDO:0014198, OMIM 615471.

Allele frequency attached by ClinVar (database versions not stated): ExAC 0.00001; gnomAD 0.00001; 1000 Genomes Project 30x 0.00016; 1000 Genomes Project 0.00020; gnomAD exomes below 0.00001; TOPMed below 0.00001.
gnomAD v4.1: 6 of 1,601,718 alleles (0.00037%); highest among the groups gnomAD compares: Admixed American, 0.0087%; no homozygotes.

Submissions (2):

Labcorp Genetics (formerly Invitae), Labcorp
Classification: Uncertain significance. Last evaluated: 2026-01-19. Review status: criteria provided, single submitter. Criteria: Invitae Variant Classification Sherloc (09022015). Collection method: clinical testing. Allele origin: germline.
Comment: This sequence change replaces glutamic acid, which is acidic and polar, with lysine, which is basic and polar, at codon 178 of the FBXL4 protein (p.Glu178Lys). This variant is present in population databases (rs199923936, gnomAD 0.1%). This variant has not been reported in the literature in individuals affected with FBXL4-related conditions. ClinVar contains an entry for this variant (Variation ID: 437592). Invitae Evidence Modeling of protein sequence and biophysical properties (such as structural, functional, and spatial information, amino acid conservation, physicochemical variation, residue mobility, and thermodynamic stability) has been performed for this missense variant. However, the output from this modeling did not meet the statistical confidence thresholds required to predict the impact of this variant on FBXL4 protein function. In summary, the available evidence is currently insufficient to determine the role of this variant in disease. Therefore, it has been classified as a Variant of Uncertain Significance.

Wong Mito Lab, Molecular and Human Genetics, Baylor College of Medicine
Classification: Uncertain significance for Mitochondrial DNA depletion syndrome 13. Last evaluated: 2017-08-10. Review status: criteria provided, single submitter. Criteria: ACMG Guidelines, 2015. Collection method: reference population. Allele origin: germline.
Comment: The NM_012160.4:c.532G>A (NP_036292.2:p.Glu178Lys) [GRCH38: NC_000006.12:g.98917700C>T] variant in FBXL4 gene is interpretated to be a Uncertain Significance - Conflicting Evidence based on ACMG guidelines (PMID: 25741868). This variant meets one or more of the following evidence codes reported in the ACMG-guideline. PM2:This variant is absent in key population databases. BP4:Computational evidence/predictors indicate no impact on the FBXL4 structure, function, or protein-protein interaction. Based on this evidence code ClinGen Pathogenicity Calculator (PMID:28081714) suggested that the variant is Uncertain Significance - Conflicting Evidence.

NM_001278716.2(FBXL4):c.532G>A (p.Glu178Lys)

Gene: FBXL4 (F-box and leucine rich repeat protein 4; minus strand). Cytogenetic location: 6q16.2.
Variant type: single nucleotide variant.
Coding change: c.532G>A on transcript NM_001278716.2 (MANE Select); coding-DNA position 532, G replaced by A.
Protein change: p.Glu178Lys; replaces glutamic acid 178 with lysine.
Molecular consequence: missense variant.
Genome position (GRCh38, 1-based): chr6:98,917,700, C>T on the plus strand (G>A on the coding strand, the complement: FBXL4 is on the minus strand). VCF-style: chr6-98917700-C-T. GRCh37 (hg19) VCF-style: chr6-99365576-C-T.
Other names: c.532G>A, p.Glu178Lys (NM_012160.5); short protein forms E178K.
Identifiers: ClinVar variation 437592 (VCV000437592.4), dbSNP rs199923936, ClinGen allele CA3933662.